The following is an entry in ClinVar:

NM_000077.5(CDKN2A):c.443C>T (p.Ala148Val)

Gene: CDKN2A (cyclin dependent kinase inhibitor 2A; minus strand). Cytogenetic location: 9p21.3.
Variant type: single nucleotide variant.
Coding change: c.443C>T on transcript NM_000077.5; coding-DNA position 443, C replaced by T.
Protein change: p.Ala148Val; replaces alanine 148 with valine.
Molecular consequence: missense variant (on NM_000077.6). On other transcripts: 3 prime UTR variant (2).
Genome position (GRCh38, 1-based): chr9:21,970,916, G>A on the plus strand (C>T on the coding strand, the complement: CDKN2A is on the minus strand). VCF-style: chr9-21970916-G-A. GRCh37 (hg19) VCF-style: chr9-21970915-G-A.
Other names: c.443C>T, p.Ala148Val (NM_000077.6, NM_001195132.2); c.290C>T, p.Ala97Val (NM_001363763.2); c.*87C>T (NM_058195.4); c.*366C>T (NM_058197.5); short protein forms A148V, A97V.
Identifiers: ClinVar variation 231700 (VCV000231700.17), dbSNP rs876659307, ClinGen allele CA10578834.

ClinVar aggregate classification (germline): Uncertain significance. Review status: criteria provided, multiple submitters, no conflicts (2 of 4 stars). 5 submissions from 5 submitters: Uncertain significance (5). Last evaluated 2025-04-23.

Conditions:
Familial melanoma. Also called: Hereditary melanoma; Hereditary cutaneous melanoma. Identifiers: Orphanet 618, MedGen C1512419, MONDO:0018961.
Hereditary cancer-predisposing syndrome. Also called: Neoplastic Syndromes, Hereditary; Hereditary Cancer Syndrome; Tumor predisposition; Hereditary neoplastic syndrome. Identifiers: Orphanet 140162, MedGen C0027672, MeSH D009386, MONDO:0015356.

Allele frequency attached by ClinVar (database versions not stated): TOPMed below 0.00001; gnomAD 0.00001.
gnomAD v4.1: 5 of 1,612,130 alleles (0.00031%); highest among the groups gnomAD compares: African/African-American, 0.0053%; no homozygotes.

Submissions (5):

Labcorp Genetics (formerly Invitae), Labcorp
Classification: Uncertain significance for Familial melanoma. Last evaluated: 2025-04-23. Review status: criteria provided, single submitter. Criteria: Invitae Variant Classification Sherloc (09022015). Collection method: clinical testing. Allele origin: germline.
Comment: This sequence change replaces alanine, which is neutral and non-polar, with valine, which is neutral and non-polar, at codon 148 of the CDKN2A (p16INK4a) protein (p.Ala148Val). The frequency data for this variant in the population databases is considered unreliable, as metrics indicate poor data quality at this position in the gnomAD database. This variant has not been reported in the literature in individuals affected with CDKN2A (p16INK4a)-related conditions. ClinVar contains an entry for this variant (Variation ID: 231700). An algorithm developed to predict the effect of missense changes on protein structure and function outputs the following: PolyPhen-2: "Benign". The valine amino acid residue is found in multiple mammalian species, which suggests that this missense change does not adversely affect protein function. In summary, the available evidence is currently insufficient to determine the role of this variant in disease. Therefore, it has been classified as a Variant of Uncertain Significance.

Ambry Genetics
Classification: Uncertain significance for Hereditary cancer-predisposing syndrome. Last evaluated: 2024-12-17. Review status: criteria provided, single submitter. Criteria: Ambry Variant Classification Scheme 2023. Collection method: clinical testing. Allele origin: germline.
Comment: The p.A148V variant (also known as c.443C>T), located in coding exon 2 of the CDKN2A gene, results from a C to T substitution at nucleotide position 443. The alanine at codon 148 is replaced by valine, an amino acid with similar properties. This amino acid position is not well conserved in available vertebrate species. In addition, this alteration is predicted to be tolerated by in silico analysis. Based on the available evidence, the clinical significance of this variant remains unclear.

GeneDx
Classification: Uncertain significance. Last evaluated: 2022-09-01. Review status: criteria provided, single submitter. Criteria: GeneDx Variant Classification Process June 2021. Collection method: clinical testing. Allele origin: germline. Affected: yes.
Comment: Not observed at significant frequency in large population cohorts (gnomAD); In silico analysis supports that this missense variant does not alter protein structure/function; Has not been previously published as pathogenic or benign to our knowledge

Sema4
Classification: Uncertain significance for Hereditary cancer-predisposing syndrome. Last evaluated: 2021-07-22. Review status: criteria provided, single submitter. Criteria: Sema4 Curation Guidelines. Collection method: curation. Allele origin: germline.
Comment: To the best of our knowledge, the CDKN2A c.443C>T (p.A148V) variant has not been reported in individuals with CDKN2A-related disease. It was not observed in the large and broad cohorts of the Genome Aggregation Database (PMID: 32461654). The variant has been reported in ClinVar (Variation ID 231700). Functional studies have not been performed and in silico tool predictions of the variants effect on protein function are inconclusive. The evidence is insufficient to meet ACMG/AMP criteria for classifying the variant as benign or pathogenic. Thus, the clinical significance of this variant is currently uncertain.

Color Diagnostics, LLC DBA Color Health
Classification: Uncertain significance for Hereditary cancer-predisposing syndrome. Last evaluated: 2018-06-14. Review status: criteria provided, single submitter. Criteria: ACMG Guidelines, 2015. Collection method: clinical testing. Allele origin: germline.

Literature cited by the submitters: PubMed 21503581 (cited by Ambry Genetics).